The following is an entry in ClinVar:

NM_003410.4(ZFX):c.1234+4A>G

Gene: ZFX (zinc finger protein X-linked; plus strand). Cytogenetic location: Xp22.11.
Variant type: single nucleotide variant.
Coding change: c.1234+4A>G on transcript NM_003410.4 (MANE Select); 4 bases into the intron after coding-DNA position 1234, A replaced by G.
Molecular consequence: intron variant. On other transcripts: missense variant (1).
Genome position (GRCh38, 1-based): chrX:24,209,044, A>G. VCF-style: chrX-24209044-A-G. GRCh37 (hg19) VCF-style: chrX-24227161-A-G.
Other names: c.1238A>G, p.Glu413Gly (NM_001178095.2); c.1351+4A>G (NM_001330327.2); c.1234+4A>G (NM_001178085.1, NM_001178084.2); c.547+4A>G (NM_001178086.2); short protein forms E413G.
Identifiers: ClinVar variation 3600770 (VCV003600770.1).
Genomic context (GRCh38, chrX:24,209,044, plus strand): 5'-TGGCTAAACAAAAACCAAAGAAAAGGAGAAGACCTGATTCCAGGCAGTACCAAACAGGTG[A>G]GGGCGCACGAGTTCCATGGCGCAGCGTGCTCTGCGAGCTCTCAGAGGAAACTCTAGTATG-3'

ClinVar aggregate classification (germline): Uncertain significance (1 of 4 stars; one submission).

Submission:

GeneDx
Classification: Uncertain significance. Last evaluated: 2024-07-23. Review status: criteria provided, single submitter. Criteria: GeneDx Variant Classification Process June 2021. Collection method: clinical testing. Allele origin: germline. Affected: yes.
Comment: Not observed at significant frequency in large population cohorts (gnomAD); In silico analysis is inconclusive as to whether the variant alters gene splicing. In the absence of RNA/functional studies, the actual effect of this sequence change is unknown.; Has not been previously published as pathogenic or benign to our knowledge